The following is an entry in ClinVar:

NM_000051.4(ATM):c.946T>G (p.Tyr316Asp)

Gene: ATM (ATM serine/threonine kinase; plus strand). Cytogenetic location: 11q22.3.
Variant type: single nucleotide variant.
Coding change: c.946T>G on transcript NM_000051.4 (MANE Select); coding-DNA position 946, T replaced by G.
Protein change: p.Tyr316Asp; replaces tyrosine 316 with aspartic acid.
Molecular consequence: missense variant.
Genome position (GRCh38, 1-based): chr11:108,247,008, T>G. VCF-style: chr11-108247008-T-G. GRCh37 (hg19) VCF-style: chr11-108117735-T-G.
Other names: c.946T>G, p.Tyr316Asp (NM_001351834.2); short protein forms Y316D.
Identifiers: ClinVar variation 1767073 (VCV001767073.2), dbSNP rs142317485, ClinGen allele CA382530818.

ClinVar aggregate classification (germline): Uncertain significance (1 of 4 stars; one submission).

Conditions:
Hereditary cancer-predisposing syndrome. Also called: Hereditary Cancer Syndrome; Hereditary neoplastic syndrome; Neoplastic Syndromes, Hereditary; Tumor predisposition. Identifiers: Orphanet 140162, MedGen C0027672, MeSH D009386, MONDO:0015356.

Submission:

Ambry Genetics
Classification: Uncertain significance for Hereditary cancer-predisposing syndrome. Last evaluated: 2021-08-06. Review status: criteria provided, single submitter. Criteria: Ambry Variant Classification Scheme 2023. Collection method: clinical testing. Allele origin: germline.
Comment: The p.Y316D variant (also known as c.946T>G), located in coding exon 7 of the ATM gene, results from a T to G substitution at nucleotide position 946. The tyrosine at codon 316 is replaced by aspartic acid, an amino acid with highly dissimilar properties. This amino acid position is highly conserved in available vertebrate species. In addition, this alteration is predicted to be deleterious by in silico analysis. Since supporting evidence is limited at this time, the clinical significance of this alteration remains unclear.